The following is an entry in ClinVar:

NM_007186.6(CEP250):c.6041A>C (p.Gln2014Pro)

Gene: CEP250 (centrosomal protein 250; plus strand). Cytogenetic location: 20q11.22.
Variant type: single nucleotide variant.
Coding change: c.6041A>C on transcript NM_007186.6 (MANE Select); coding-DNA position 6041, A replaced by C.
Protein change: p.Gln2014Pro; replaces glutamine 2014 with proline.
Molecular consequence: missense variant.
Genome position (GRCh38, 1-based): chr20:35,504,410, A>C. VCF-style: chr20-35504410-A-C. GRCh37 (hg19) VCF-style: chr20-34092238-A-C.
Other names: c.4145A>C, p.Gln1382Pro (NM_001318219.1); short protein forms Q1382P, Q2014P.
Identifiers: ClinVar variation 1937013 (VCV001937013.4), dbSNP rs2516282662, ClinGen allele CA408755721.
Genomic context (GRCh38, chr20:35,504,410, plus strand): 5'-TGGAGGCCAGCACTGCAACCCTGCAAGCCTCCCTGGATGCCTGCCAGGCACACAGTCGGC[A>C]GCTGGAGGAGGCTCTGAGGATACAAGAAGGTGAGATCCAGGACCAGGATCTCCGATACCA-3'
Protein context (NP_009117.2, residues 2004-2024): SLDACQAHSR[Gln2014Pro]LEEALRIQEG

ClinVar aggregate classification (germline): Uncertain significance (1 of 4 stars; one submission).

Submission:

Labcorp Genetics (formerly Invitae), Labcorp
Classification: Uncertain significance. Last evaluated: 2022-02-04. Review status: criteria provided, single submitter. Criteria: Invitae Variant Classification Sherloc (09022015). Collection method: clinical testing. Allele origin: germline.
Comment: In summary, the available evidence is currently insufficient to determine the role of this variant in disease. Therefore, it has been classified as a Variant of Uncertain Significance. Algorithms developed to predict the effect of missense changes on protein structure and function are either unavailable or do not agree on the potential impact of this missense change (SIFT: "Not Available"; PolyPhen-2: "Possibly Damaging"; Align-GVGD: "Not Available"). This variant has not been reported in the literature in individuals affected with CEP250-related conditions. This variant is not present in population databases (gnomAD no frequency). This sequence change replaces glutamine, which is neutral and polar, with proline, which is neutral and non-polar, at codon 2014 of the CEP250 protein (p.Gln2014Pro).